The following is an entry in ClinVar:

NC_000002.11:g.(?_232879638)_(233114066_?)dup

Gene: DIS3L2 (DIS3 like 3'-5' exoribonuclease 2; plus strand). Cytogenetic location: 2q37.1.
Variant type: Duplication.
Identifiers: ClinVar variation 2427370 (VCV002427370.4).

ClinVar aggregate classification (germline): Uncertain significance (1 of 4 stars; one submission).

Conditions:
Perlman syndrome (PRLMNS). Identifiers: Orphanet 2849, MedGen C0796113, MONDO:0009965, OMIM 267000.

Submission:

Labcorp Genetics (formerly Invitae), Labcorp
Classification: Uncertain significance for Perlman syndrome. Last evaluated: 2021-11-10. Review status: criteria provided, single submitter. Criteria: Invitae Variant Classification Sherloc (09022015). Collection method: clinical testing. Allele origin: germline.
Comment: This variant results in a copy number gain of the genomic region encompassing exon(s) 2-12 of the DIS3L2 gene. This region includes the initiator codon of the gene. This copy number gain extends beyond the assayed region for this gene and therefore may encompass additional genes. As the precise location of this event is unknown, it may be in tandem or it may be located elsewhere in the genome. In summary, the available evidence is currently insufficient to determine the role of this variant in disease. Therefore, it has been classified as a Variant of Uncertain Significance. Experimental studies and prediction algorithms are not available or were not evaluated, and the functional significance of this variant is currently unknown. This variant has not been reported in the literature in individuals affected with DIS3L2-related conditions.